The following is an entry in ClinVar:

ClinVar aggregate classification (germline): Uncertain significance. Review status: criteria provided, multiple submitters, no conflicts (2 of 4 stars). 3 submissions from 3 submitters: Uncertain significance (3). Last evaluated 2024-11-25.

Conditions:
Inborn genetic diseases. Identifiers: MedGen C0950123, MeSH D030342.
Baller-Gerold syndrome (BGS). Also called: CRANIOSYNOSTOSIS WITH RADIAL DEFECTS. Identifiers: Orphanet 1225, MedGen C0265308, MONDO:0009039, OMIM 218600.

Allele frequency attached by ClinVar (database versions not stated): ExAC 0.00001; gnomAD 0.00001; gnomAD exomes 0.00001 and 0.00004; TOPMed 0.00005.

Submissions (3):

Ambry Genetics
Classification: Uncertain significance for Inborn genetic diseases. Last evaluated: 2024-11-25. Review status: criteria provided, single submitter. Criteria: Ambry Variant Classification Scheme 2023. Collection method: clinical testing. Allele origin: germline.
Comment: The p.L610F variant (also known as c.1828C>T), located in coding exon 11 of the RECQL4 gene, results from a C to T substitution at nucleotide position 1828. The leucine at codon 610 is replaced by phenylalanine, an amino acid with highly similar properties. This amino acid position is conserved. In addition, the in silico prediction for this alteration is inconclusive. Based on the available evidence, the clinical significance of this variant remains unclear.

Labcorp Genetics (formerly Invitae), Labcorp
Classification: Uncertain significance for Baller-Gerold syndrome. Last evaluated: 2024-10-27. Review status: criteria provided, single submitter. Criteria: Invitae Variant Classification Sherloc (09022015). Collection method: clinical testing. Allele origin: germline.
Comment: This sequence change replaces leucine, which is neutral and non-polar, with phenylalanine, which is neutral and non-polar, at codon 610 of the RECQL4 protein (p.Leu610Phe). This variant is present in population databases (rs751453635, gnomAD 0.002%). This variant has not been reported in the literature in individuals affected with RECQL4-related conditions. ClinVar contains an entry for this variant (Variation ID: 406916). Invitae Evidence Modeling of protein sequence and biophysical properties (such as structural, functional, and spatial information, amino acid conservation, physicochemical variation, residue mobility, and thermodynamic stability) indicates that this missense variant is expected to disrupt RECQL4 protein function with a positive predictive value of 80%. In summary, the available evidence is currently insufficient to determine the role of this variant in disease. Therefore, it has been classified as a Variant of Uncertain Significance.

GeneDx
Classification: Uncertain significance. Last evaluated: 2024-09-19. Review status: criteria provided, single submitter. Criteria: GeneDx Variant Classification Process June 2021. Collection method: clinical testing. Allele origin: germline. Affected: yes.
Comment: Not observed at significant frequency in large population cohorts (gnomAD); Has not been previously published as pathogenic or benign to our knowledge; In silico analysis does not support a benign or deleterious effect of this variant on protein structure/function

NM_004260.4(RECQL4):c.1828C>T (p.Leu610Phe)

Gene: RECQL4 (RecQ like helicase 4; minus strand). Cytogenetic location: 8q24.3.
Variant type: single nucleotide variant.
Coding change: c.1828C>T on transcript NM_004260.4 (MANE Select); coding-DNA position 1828, C replaced by T.
Protein change: p.Leu610Phe; replaces leucine 610 with phenylalanine.
Molecular consequence: missense variant.
Genome position (GRCh38, 1-based): chr8:144,514,239, G>A on the plus strand (C>T on the coding strand, the complement: RECQL4 is on the minus strand). VCF-style: chr8-144514239-G-A. GRCh37 (hg19) VCF-style: chr8-145739623-G-A.
Other names: short protein forms L610F.
Identifiers: ClinVar variation 406916 (VCV000406916.14), dbSNP rs751453635, ClinGen allele CA4948644.